The following is an entry in ClinVar:

ClinVar aggregate classification (germline): Likely benign. Review status: criteria provided, multiple submitters, no conflicts (2 of 4 stars). 4 submissions from 4 submitters: Likely benign (4). Last evaluated 2025-01-13.

Conditions:
RIPOR2-related disorder. Also called: RIPOR2-related condition.

Allele frequency attached by ClinVar (database versions not stated): gnomAD exomes 0.00010 and 0.00011; ExAC 0.00012; ESP Exome Variant Server 0.00016; gnomAD 0.00028 and 0.00029; TOPMed 0.00028.
gnomAD v4.1: 199 of 1,613,852 alleles (0.012%); highest among the groups gnomAD compares: East Asian, 0.28%; 2 homozygotes.

Submissions (5):

PreventionGenetics, part of Exact Sciences
Classification: Likely benign for RIPOR2-related condition. Last evaluated: 2025-01-13. Review status: criteria provided, single submitter. Criteria: ACMG Guidelines, 2015. Collection method: clinical testing. Allele origin: germline.
Comment: This variant is classified as likely benign based on ACMG/AMP sequence variant interpretation guidelines (Richards et al. 2015 PMID: 25741868, with internal and published modifications).

Labcorp Genetics (formerly Invitae), Labcorp
Classification: Likely benign. Last evaluated: 2023-08-04. Review status: criteria provided, single submitter. Criteria: Invitae Variant Classification Sherloc (09022015). Collection method: clinical testing. Allele origin: germline.

Laboratory for Molecular Medicine, Mass General Brigham Personalized Medicine
Classification: Likely benign. Last evaluated: 2019-09-05. Review status: criteria provided, single submitter. Criteria: LMM Criteria. Collection method: clinical testing. Allele origin: germline. Observed: 1 variant allele.
Comment: proposed classification - variant undergoing re-assessment, contact laboratory

GeneDx
Classification: Likely benign. Last evaluated: 2018-10-02. Review status: criteria provided, single submitter. Criteria: GeneDx Variant Classification Process June 2021. Collection method: clinical testing. Allele origin: germline. Affected: yes.

Dr. Peter K. Rogan Lab, Western University
No classification provided (evidence only). Condition: Thymoma. Review status: no classification provided. Collection method: in vitro. Allele origin: not applicable. Functional consequence: retained intron. Not counted in ClinVar's aggregate classification.

NM_001286445.3(RIPOR2):c.1329G>A (p.Ala443=)

Gene: RIPOR2 (RHO family interacting cell polarization regulator 2; minus strand). Cytogenetic location: 6p22.3.
Variant type: single nucleotide variant.
Coding change: c.1329G>A on transcript NM_001286445.3 (MANE Select); coding-DNA position 1329, G replaced by A.
Protein change: p.Ala443=; no amino-acid change (alanine 443 retained).
Molecular consequence: synonymous variant.
Genome position (GRCh38, 1-based): chr6:24,843,390, C>T on the plus strand (G>A on the coding strand, the complement: RIPOR2 is on the minus strand). VCF-style: chr6-24843390-C-T. GRCh37 (hg19) VCF-style: chr6-24843618-C-T.
Other names: c.1344G>A, p.Ala448= (NM_001286446.3); c.1242G>A, p.Ala414= (NM_001286447.2, NM_001346031.2, NM_001346032.2 and 1 more transcripts); c.1392G>A, p.Ala464= (NM_014722.5); c.1392G>A (NM_014722.4).
Identifiers: ClinVar variation 517558 (VCV000517558.17), dbSNP rs200686463, ClinGen allele CA3659265.